The following is an entry in ClinVar:

ClinVar aggregate classification (germline): Uncertain significance. Review status: criteria provided, multiple submitters, no conflicts (2 of 4 stars). 3 submissions from 3 submitters: Uncertain significance (2). 1 of the submissions does not count toward it. Last evaluated 2025-05-10.

Conditions:
C3-related disorder. Also called: C3-related condition.

Allele frequency attached by ClinVar (database versions not stated): gnomAD 0.00001; ExAC 0.00002.

Submissions (3):

Labcorp Genetics (formerly Invitae), Labcorp
Classification: Uncertain significance. Last evaluated: 2025-05-10. Review status: criteria provided, single submitter. Criteria: Invitae Variant Classification Sherloc (09022015). Collection method: clinical testing. Allele origin: germline.
Comment: This sequence change replaces valine, which is neutral and non-polar, with methionine, which is neutral and non-polar, at codon 901 of the C3 protein (p.Val901Met). This variant is present in population databases (rs750656770, gnomAD 0.009%). This variant has not been reported in the literature in individuals affected with C3-related conditions. ClinVar contains an entry for this variant (Variation ID: 1936580). Invitae Evidence Modeling of protein sequence and biophysical properties (such as structural, functional, and spatial information, amino acid conservation, physicochemical variation, residue mobility, and thermodynamic stability) has been performed for this missense variant. However, the output from this modeling did not meet the statistical confidence thresholds required to predict the impact of this variant on C3 protein function. In summary, the available evidence is currently insufficient to determine the role of this variant in disease. Therefore, it has been classified as a Variant of Uncertain Significance.

Mayo Clinic Laboratories, Mayo Clinic
Classification: Uncertain significance. Last evaluated: 2024-09-16. Review status: criteria provided, single submitter. Criteria: ACMG Guidelines, 2015. Collection method: clinical testing. Allele origin: germline. Observed: 1 variant allele.

PreventionGenetics, part of Exact Sciences
Classification: Uncertain significance for C3-related condition. Last evaluated: 2024-05-07. Review status: no assertion criteria provided. Collection method: clinical testing. Allele origin: germline. Not counted in ClinVar's aggregate classification.
Comment: The C3 c.2701G>A variant is predicted to result in the amino acid substitution p.Val901Met. To our knowledge, this variant has not been reported in the literature. This variant is reported in 0.0092% of alleles in individuals of European (Finnish) descent in gnomAD. At this time, the clinical significance of this variant is uncertain due to the absence of conclusive functional and genetic evidence.

NM_000064.4(C3):c.2701G>A (p.Val901Met)

Gene: C3 (complement C3; minus strand). Cytogenetic location: 19p13.3.
Variant type: single nucleotide variant.
Coding change: c.2701G>A on transcript NM_000064.4 (MANE Select); coding-DNA position 2701, G replaced by A.
Protein change: p.Val901Met; replaces valine 901 with methionine.
Molecular consequence: missense variant.
Genome position (GRCh38, 1-based): chr19:6,697,439, C>T on the plus strand (G>A on the coding strand, the complement: C3 is on the minus strand). VCF-style: chr19-6697439-C-T. GRCh37 (hg19) VCF-style: chr19-6697450-C-T.
Other names: p.Val901Met; c.2701G>A (NM_000064.3); short protein forms V901M.
Identifiers: ClinVar variation 1936580 (VCV001936580.7), dbSNP rs750656770, ClinGen allele CA9128990.